The following is an entry in ClinVar:

ClinVar aggregate classification (germline): Uncertain significance (1 of 4 stars; one submission).

Submission:

GeneDx
Classification: Uncertain significance. Last evaluated: 2026-08-31. Review status: criteria provided, single submitter. Criteria: GeneDx Variant Classification Process June 2021. Collection method: clinical testing. Allele origin: germline.
Comment: Not observed at significant frequency in large population cohorts (gnomAD); In silico analysis suggests that this missense variant does not alter protein structure/function; Has not been previously published as pathogenic or benign to our knowledge

NM_001365276.2(TNXB):c.10097C>G (p.Ala3366Gly)

Gene: TNXB (tenascin XB; minus strand). Cytogenetic location: 6p21.33.
Variant type: single nucleotide variant.
Coding change: c.10097C>G on transcript NM_001365276.2 (MANE Select); coding-DNA position 10097, C replaced by G.
Protein change: p.Ala3366Gly; replaces alanine 3366 with glycine.
Molecular consequence: missense variant.
Genome position (GRCh38, 1-based): chr6:32,047,961, G>C on the plus strand (C>G on the coding strand, the complement: TNXB is on the minus strand). VCF-style: chr6-32047961-G-C. GRCh37 (hg19) VCF-style: chr6-32015738-G-C.
Other names: c.10091C>G, p.Ala3364Gly (NM_019105.8); short protein forms A3364G, A3366G.
Identifiers: ClinVar variation 1800866 (VCV001800866.2), dbSNP rs772853952, ClinGen allele CA363532447.